The following is an entry in ClinVar:

ClinVar aggregate classification (germline): Uncertain significance. Review status: criteria provided, multiple submitters, no conflicts (2 of 4 stars). 2 submissions from 2 submitters: Uncertain significance (2). Last evaluated 2026-09-08.

Conditions:
BBS9-related disorder. Also called: BBS9-related condition.

Allele frequency attached by ClinVar (database versions not stated): TOPMed 0.00001; ExAC 0.00002; gnomAD 0.00002.
gnomAD v4.1: 18 of 1,614,058 alleles (0.0011%); highest among the groups gnomAD compares: Non-Finnish European, 0.0014%; no homozygotes.

Submissions (2):

PreventionGenetics, part of Exact Sciences
Classification: Uncertain significance for BBS9-related condition. Last evaluated: 2026-09-08. Review status: criteria provided, single submitter. Criteria: ACMG Guidelines, 2015. Collection method: clinical testing. Allele origin: germline.
Comment: The BBS9 c.2057A>T variant is predicted to result in the amino acid substitution p.Asp686Val. To our knowledge, this variant has not been reported in the literature. This variant is reported in 0.0062% of alleles in individuals of European (Non-Finnish) descent in gnomAD. At this time, the clinical significance of this variant is uncertain due to the absence of conclusive functional and genetic evidence.

Blueprint Genetics
Classification: Uncertain significance. Last evaluated: 2024-05-23. Review status: criteria provided, single submitter. Criteria: ACMG Guidelines, 2015. Collection method: clinical testing. Allele origin: germline.

NM_198428.3(BBS9):c.2057A>T (p.Asp686Val)

Gene: BBS9 (Bardet-Biedl syndrome 9; plus strand). Cytogenetic location: 7p14.3.
Variant type: single nucleotide variant.
Coding change: c.2057A>T on transcript NM_198428.3 (MANE Select); coding-DNA position 2057, A replaced by T.
Protein change: p.Asp686Val; replaces aspartic acid 686 with valine.
Molecular consequence: missense variant. On other transcripts: non-coding transcript variant (3).
Genome position (GRCh38, 1-based): chr7:33,388,086, A>T. VCF-style: chr7-33388086-A-T. GRCh37 (hg19) VCF-style: chr7-33427698-A-T.
Other names: c.1952A>T, p.Asp651Val (NM_001033604.2); c.2042A>T, p.Asp681Val (NM_001033605.2); c.2057A>T, p.Asp686Val (NM_001348036.1, NM_001348041.4, NM_001348043.3 and 3 more transcripts); c.1691A>T, p.Asp564Val (NM_001348037.3, NM_001348045.3, NM_001348046.3); c.1784A>T, p.Asp595Val (NM_001348038.3); c.1679A>T, p.Asp560Val (NM_001348039.3); c.1937A>T, p.Asp646Val (NM_001348040.3, NM_014451.4); c.1922A>T, p.Asp641Val (NM_001348042.3); and 1 more; short protein forms D529V, D560V, D564V, D595V, D641V, D646V, D651V, D681V.
Identifiers: ClinVar variation 2629615 (VCV002629615.3), dbSNP rs773359962, ClinGen allele CA4214587.